The following is an entry in ClinVar:

ClinVar aggregate classification (germline): Uncertain significance (1 of 4 stars; one submission).

Submission:

GeneDx
Classification: Uncertain significance. Last evaluated: 2025-05-21. Review status: criteria provided, single submitter. Criteria: GeneDx Variant Classification Process June 2021. Collection method: clinical testing. Allele origin: germline. Affected: yes.
Comment: Not observed at significant frequency in large population cohorts (gnomAD); In silico analysis supports that this missense variant has a deleterious effect on protein structure/function; Has not been previously published as pathogenic or benign to our knowledge

NM_006186.4(NR4A2):c.1192G>T (p.Asp398Tyr)

Gene: NR4A2 (nuclear receptor subfamily 4 group A member 2; minus strand). Cytogenetic location: 2q24.1.
Variant type: single nucleotide variant.
Coding change: c.1192G>T on transcript NM_006186.4 (MANE Select); coding-DNA position 1192, G replaced by T.
Protein change: p.Asp398Tyr; replaces aspartic acid 398 with tyrosine.
Molecular consequence: missense variant.
Genome position (GRCh38, 1-based): chr2:156,326,887, C>A on the plus strand (G>T on the coding strand, the complement: NR4A2 is on the minus strand). VCF-style: chr2-156326887-C-A. GRCh37 (hg19) VCF-style: chr2-157183399-C-A.
Other names: c.1003G>T, p.Asp335Tyr (NM_173173.3); short protein forms D335Y, D398Y.
Identifiers: ClinVar variation 4531152 (VCV004531152.1).
Genomic context (GRCh38, chr2:156,326,887, plus strand): 5'-GGATGATCTCCATGGAGCCAGTCAGGAGATCATAGAATTGCTGGATATGCTGGGTGTCAT[C>A]TCCACTCATTTGATAGTCAGGGTTCGCCTGGAACTGGAATTTCATTTTAAAAAGCACTTA-3'
Protein context (NP_006177.1, residues 388-408): QANPDYQMSG[Asp398Tyr]DTQHIQQFYD